The following is an entry in ClinVar:

NM_001288705.3(CSF1R):c.721A>G (p.Asn241Asp)

Genes: CSF1R (colony stimulating factor 1 receptor; minus strand), LOC111188154 (RORalpha allelically-responsive CSF1R enhancer; plus strand). Cytogenetic location: 5q32.
Variant type: single nucleotide variant.
Coding change: c.721A>G on transcript NM_001288705.3 (MANE Select); coding-DNA position 721, A replaced by G.
Protein change: p.Asn241Asp; replaces asparagine 241 with aspartic acid.
Molecular consequence: missense variant. On other transcripts: non-coding transcript variant (2).
Genome position (GRCh38, 1-based): chr5:150,078,120, T>C on the plus strand (A>G on the coding strand, the complement: CSF1R is on the minus strand). VCF-style: chr5-150078120-T-C. GRCh37 (hg19) VCF-style: chr5-149457683-T-C.
Other names: c.721A>G, p.Asn241Asp (NM_001349736.2, NM_001375320.1, NM_005211.4); c.277A>G, p.Asn93Asp (NM_001375321.1); short protein forms N241D, N93D.
Identifiers: ClinVar variation 352166 (VCV000352166.16), dbSNP rs79702016, ClinGen allele CA3507102.

ClinVar aggregate classification (germline): Benign. Review status: criteria provided, multiple submitters, no conflicts (2 of 4 stars). 4 submissions from 4 submitters: Benign (2). 2 of the submissions do not count toward it. Last evaluated 2026-02-03.

Conditions:
Hereditary diffuse leukoencephalopathy with spheroids. Also called: LEUKOENCEPHALOPATHY, ADULT-ONSET, WITH AXONAL SPHEROIDS AND PIGMENTED GLIA. Identifiers: Orphanet 313808, MedGen C3711381, MONDO:0030796.

Allele frequency attached by ClinVar (database versions not stated): gnomAD 0.00792 and 0.00855; 1000 Genomes Project 0.00799; 1000 Genomes Project 30x 0.00874; TOPMed 0.00878; ESP Exome Variant Server 0.00907; gnomAD exomes 0.00077 and 0.00203; ExAC 0.00255.
gnomAD v4.1: 2,388 of 1,614,058 alleles (0.15%); highest among the groups gnomAD compares: African/African-American, 2.9%; 27 homozygotes.

Submissions (4):

Labcorp Genetics (formerly Invitae), Labcorp
Classification: Benign. Last evaluated: 2026-02-03. Review status: criteria provided, single submitter. Criteria: Invitae Variant Classification Sherloc (09022015). Collection method: clinical testing. Allele origin: germline.

Illumina Laboratory Services, Illumina
Classification: Benign for Leukoencephalopathy, diffuse hereditary, with spheroids 1. Last evaluated: 2018-01-13. Review status: criteria provided, single submitter. Criteria: ICSL Variant Classification Criteria 13 December 2019. Collection method: clinical testing. Allele origin: germline.
Comment: This variant was observed in the ICSL laboratory as part of a predisposition screen in an ostensibly healthy population. It had not been previously curated by ICSL or reported in the Human Gene Mutation Database (HGMD: prior to June 1st, 2018), and was therefore a candidate for classification through an automated scoring system. Utilizing variant allele frequency, disease prevalence and penetrance estimates, and inheritance mode, an automated score was calculated to assess if this variant is too frequent to cause the disease. Based on the score and internal cut-off values, a variant classified as benign is not then subjected to further curation. The score for this variant resulted in a classification of benign for this disease.

Clinical Genetics DNA and cytogenetics Diagnostics Lab, Erasmus MC, Erasmus Medical Center
Classification: Likely benign. Review status: no assertion criteria provided. Collection method: clinical testing. Allele origin: germline. Affected: yes. Study: VKGL Data-share Consensus. Not counted in ClinVar's aggregate classification.

Genome Diagnostics Laboratory, Amsterdam University Medical Center
Classification: Likely benign. Review status: no assertion criteria provided. Collection method: clinical testing. Allele origin: germline. Affected: yes. Study: VKGL Data-share Consensus. Not counted in ClinVar's aggregate classification.